The following is an entry in ClinVar:

NM_000901.5(NR3C2):c.*1491G>A

Gene: NR3C2 (nuclear receptor subfamily 3 group C member 2; minus strand). Cytogenetic location: 4q31.23.
Variant type: single nucleotide variant.
Coding change: c.*1491G>A on transcript NM_000901.5 (MANE Select); 1491 bases downstream of the stop codon, G replaced by A.
Molecular consequence: 3 prime UTR variant. On other transcripts: non-coding transcript variant (1).
Genome position (GRCh38, 1-based): chr4:148,079,853, C>T on the plus strand (G>A on the coding strand, the complement: NR3C2 is on the minus strand). VCF-style: chr4-148079853-C-T. GRCh37 (hg19) VCF-style: chr4-149001004-C-T.
Other names: c.*1491G>A (NM_001166104.2, NM_001354819.1).
Identifiers: ClinVar variation 903208 (VCV000903208.4), dbSNP rs527827388, ClinGen allele CA108477461.

ClinVar aggregate classification (germline): Likely benign (1 of 4 stars; one submission).

Conditions:
Autosomal dominant pseudohypoaldosteronism type 1. Also called: Pseudohypoaldosteronism, Type I, Autosomal Dominant; Pseudohypoaldosteronism, Type I, Dominant; PHA I, AUTOSOMAL DOMINANT. Identifiers: Orphanet 171871, Orphanet 756, MedGen C1449842, MONDO:0008329, OMIM 177735.

Allele frequency attached by ClinVar (database versions not stated): 1000 Genomes Project 0.00100; gnomAD 0.00152 and 0.00153; 1000 Genomes Project 30x 0.00172; TOPMed 0.00214; gnomAD exomes 0.00602.
gnomAD v4.1: 230 of 152,684 alleles (0.15%); highest among the groups gnomAD compares: Admixed American, 0.99%; 2 homozygotes.

Submission:

Illumina Laboratory Services, Illumina
Classification: Likely benign for Autosomal dominant pseudohypoaldosteronism type 1. Last evaluated: 2018-01-12. Review status: criteria provided, single submitter. Criteria: ICSL Variant Classification Criteria 13 December 2019. Collection method: clinical testing. Allele origin: germline.
Comment: This variant was observed in the ICSL laboratory as part of a predisposition screen in an ostensibly healthy population. It had not been previously curated by ICSL or reported in the Human Gene Mutation Database (HGMD: prior to June 1st, 2018), and was therefore a candidate for classification through an automated scoring system. Utilizing variant allele frequency, disease prevalence and penetrance estimates, and inheritance mode, an automated score was calculated to assess if this variant is too frequent to cause the disease. Based on the score and internal cut-off values, a variant classified as likely benign is not then subjected to further curation. The score for this variant resulted in a classification of likely benign for this disease.